The following is an entry in ClinVar:

ClinVar aggregate classification (germline): Benign/Likely benign. Review status: criteria provided, multiple submitters, no conflicts (2 of 4 stars). 3 submissions from 3 submitters: Benign (1); Likely benign (1). 1 of the submissions does not count toward it. Last evaluated 2025-12-21.

Conditions:
Ehlers-Danlos syndrome, classic type, 1 (EDSCL1). Also called: EDS I; Ehlers-Danlos syndrome, type 1; EHLERS-DANLOS SYNDROME, GRAVIS TYPE; EHLERS-DANLOS SYNDROME, SEVERE CLASSIC TYPE; Ehlers-Danlos Syndrome, Classic Type, COL5A1-Related. Identifiers: MedGen C0268335, MONDO:0019567, OMIM 130000.
COL5A2-related disorder. Also called: COL5A2-related condition.
Familial thoracic aortic aneurysm and aortic dissection (TAAD). Also called: Thoracic aortic aneurysms and dissections. Identifiers: Orphanet 91387, MedGen C4707243, MONDO:0019625.

Allele frequency attached by ClinVar (database versions not stated): ExAC 0.00023; gnomAD 0.00002 and 0.00006; gnomAD exomes 0.00019; 1000 Genomes Project 30x 0.00031; TOPMed 0.00001; 1000 Genomes Project 0.00040.
gnomAD v4.1: 164 of 1,613,738 alleles (0.01%); highest among the groups gnomAD compares: South Asian, 0.15%; no homozygotes.

Submissions (3):

Labcorp Genetics (formerly Invitae), Labcorp
Classification: Benign for Ehlers-Danlos syndrome, classic type, 1. Last evaluated: 2025-12-21. Review status: criteria provided, single submitter. Criteria: Invitae Variant Classification Sherloc (09022015). Collection method: clinical testing. Allele origin: germline.

Ambry Genetics
Classification: Likely benign for Familial thoracic aortic aneurysm and aortic dissection. Last evaluated: 2022-02-20. Review status: criteria provided, single submitter. Criteria: Ambry Variant Classification Scheme 2023. Collection method: clinical testing. Allele origin: germline.

PreventionGenetics, part of Exact Sciences
Classification: Likely benign for COL5A2-related condition. Last evaluated: 2024-03-13. Review status: no assertion criteria provided. Collection method: clinical testing. Allele origin: germline. Not counted in ClinVar's aggregate classification.
Comment: This variant is classified as likely benign based on ACMG/AMP sequence variant interpretation guidelines (Richards et al. 2015 PMID: 25741868, with internal and published modifications).

NM_000393.5(COL5A2):c.4239C>T (p.Asp1413=)

Gene: COL5A2 (collagen type V alpha 2 chain; minus strand). Cytogenetic location: 2q32.2.
Variant type: single nucleotide variant.
Coding change: c.4239C>T on transcript NM_000393.5 (MANE Select); coding-DNA position 4239, C replaced by T.
Protein change: p.Asp1413=; no amino-acid change (aspartic acid 1413 retained).
Molecular consequence: synonymous variant.
Genome position (GRCh38, 1-based): chr2:189,035,030, G>A on the plus strand (C>T on the coding strand, the complement: COL5A2 is on the minus strand). VCF-style: chr2-189035030-G-A. GRCh37 (hg19) VCF-style: chr2-189899756-G-A.
Other names: c.4239C>T (NM_000393.4).
Identifiers: ClinVar variation 1553988 (VCV001553988.11), dbSNP rs529257786, ClinGen allele CA2021825.